The following is an entry in ClinVar:

NM_004006.3(DMD):c.4918_4919delinsTG (p.Thr1640Ter)

Gene: DMD (dystrophin; minus strand). Cytogenetic location: Xp21.1.
Variant type: Indel.
Coding change: c.4918_4919delinsTG on transcript NM_004006.3 (MANE Select); coding-DNA positions 4918 to 4919, AC replaced by TG.
Protein change: p.Thr1640Ter; replaces threonine 1640 with a stop codon.
Molecular consequence: nonsense.
Genome position (GRCh38, 1-based): chrX:32,365,126-32,365,127, GT replaced by CA on the plus strand (AC replaced by TG on the coding strand, the reverse complement: DMD is on the minus strand). VCF-style: chrX-32365126-GT-CA. GRCh37 (hg19) VCF-style: chrX-32383243-GT-CA.
Other names: c.4894_4895delinsTG, p.Thr1632Ter (NM_000109.4); c.4906_4907delinsTG, p.Thr1636Ter (NM_004009.3); c.4549_4550delinsTG, p.Thr1517Ter (NM_004010.3); c.895_896delinsTG, p.Thr299Ter (NM_004011.4); c.886_887delinsTG, p.Thr296Ter (NM_004012.4); c.4918_4919delACinsTG (NM_004006.2); short protein forms T296*, T299*, T1636*, T1640*, T1517*, T1632*.
Identifiers: ClinVar variation 455902 (VCV000455902.1), dbSNP rs1557305645, ClinGen allele CA658658964.

ClinVar aggregate classification (germline): Pathogenic (1 of 4 stars; one submission).

Conditions:
Duchenne muscular dystrophy (DMD). Also called: MUSCULAR DYSTROPHY, PSEUDOHYPERTROPHIC PROGRESSIVE, DUCHENNE TYPE; Duchenne Muscular Dystrophy (DMD). Identifiers: Orphanet 98896, MedGen C0013264, MONDO:0010679, OMIM 310200.

Submission:

Labcorp Genetics (formerly Invitae), Labcorp
Classification: Pathogenic for Duchenne muscular dystrophy. Last evaluated: 2017-02-02. Review status: criteria provided, single submitter. Criteria: Invitae Variant Classification Sherloc (09022015). Collection method: clinical testing. Allele origin: germline.
Comment: This sequence change creates a premature translational stop signal at codon 1640 (p.Thr1640*) of the DMD gene. It is expected to result in an absent or disrupted protein product. Loss-of-function variants in DMD are known to be pathogenic. This particular variant has been reported in the literature in an individual affected with Duchenne muscular dystrophy (PMID: 23829870). This variant has been reported as 4918-4919delTG in the literature. For these reasons, this variant has been classified as Pathogenic.